The following is an entry in ClinVar:

NM_001370298.3(FGD4):c.*3340A>C

Gene: FGD4 (FYVE, RhoGEF and PH domain containing 4; plus strand). Cytogenetic location: 12p11.21.
Variant type: single nucleotide variant.
Coding change: c.*3340A>C on transcript NM_001370298.3 (MANE Select); 3340 bases downstream of the stop codon, A replaced by C.
Molecular consequence: 3 prime UTR variant. On other transcripts: intron variant (3).
Genome position (GRCh38, 1-based): chr12:32,643,873, A>C. VCF-style: chr12-32643873-A-C. GRCh37 (hg19) VCF-style: chr12-32796807-A-C.
Other names: c.*3340A>C (NM_001304481.2, NM_001304484.2, NM_001330373.2 and 5 more transcripts); c.2633-721A>C (NM_001384126.1); c.2222-721A>C (NM_001384127.1, NM_001384128.1).
Identifiers: ClinVar variation 308345 (VCV000308345.6), dbSNP rs75320947, ClinGen allele CA10640940.
Genomic context (GRCh38, chr12:32,643,873, plus strand): 5'-TACTTTTCCTTGTCCTTACTTTTTGGAAACAGGGTGGTTGCTTTTATTTGTTTTCTGGTT[A>C]TATTCAAAGCCTTAAGTTCTTAATCTGAGCATATTGTCTGTGATAAATTTCTGATGATCT-3'

ClinVar aggregate classification (germline): Benign. Review status: criteria provided, multiple submitters, no conflicts (2 of 4 stars). 2 submissions from 2 submitters: Benign (2). Last evaluated 2018-01-12.

Conditions:
Charcot-Marie-Tooth disease type 4H (CMT4H). Also called: CHARCOT-MARIE-TOOTH DISEASE, AUTOSOMAL RECESSIVE, TYPE 4H; CHARCOT-MARIE-TOOTH DISEASE, DEMYELINATING, AUTOSOMAL RECESSIVE, TYPE 4H; CHARCOT-MARIE-TOOTH NEUROPATHY, TYPE 4H; CHARCOT-MARIE-TOOTH DISEASE, DEMYELINATING, TYPE 4H. Identifiers: Orphanet 99954, MedGen C1836336, MONDO:0012250, OMIM 609311.

Allele frequency attached by ClinVar (database versions not stated): 1000 Genomes Project 0.00998; 1000 Genomes Project 30x 0.01124; gnomAD 0.01308 and 0.01342; TOPMed 0.01429.

Submissions (2):

Illumina Laboratory Services, Illumina
Classification: Benign for Charcot-Marie-Tooth disease type 4H. Last evaluated: 2018-01-12. Review status: criteria provided, single submitter. Criteria: ICSL Variant Classification Criteria 13 December 2019. Collection method: clinical testing. Allele origin: germline.
Comment: This variant was observed in the ICSL laboratory as part of a predisposition screen in an ostensibly healthy population. It had not been previously curated by ICSL or reported in the Human Gene Mutation Database (HGMD: prior to June 1st, 2018), and was therefore a candidate for classification through an automated scoring system. Utilizing variant allele frequency, disease prevalence and penetrance estimates, and inheritance mode, an automated score was calculated to assess if this variant is too frequent to cause the disease. Based on the score and internal cut-off values, a variant classified as benign is not then subjected to further curation. The score for this variant resulted in a classification of benign for this disease.

Breakthrough Genomics
Classification: Benign. Review status: criteria provided, single submitter. Criteria: ACMG Guidelines, 2015. Collection method: not provided. Allele origin: germline. Inheritance: Autosomal recessive inheritance. Affected: yes.